The following is an entry in ClinVar:

ClinVar aggregate classification (germline): Uncertain significance (1 of 4 stars; one submission).

Submission:

GeneDx
Classification: Uncertain significance. Last evaluated: 2026-02-12. Review status: criteria provided, single submitter. Criteria: GeneDx Variant Classification Process June 2021. Collection method: clinical testing. Allele origin: germline.
Comment: Not observed at significant frequency in large population cohorts (gnomAD); In silico analysis supports that this missense variant has a deleterious effect on protein structure/function; Has not been previously published as pathogenic or benign to our knowledge

NM_001079843.3(CASZ1):c.4601G>C (p.Arg1534Pro)

Gene: CASZ1 (castor zinc finger 1; minus strand). Cytogenetic location: 1p36.22.
Variant type: single nucleotide variant.
Coding change: c.4601G>C on transcript NM_001079843.3 (MANE Select); coding-DNA position 4601, G replaced by C.
Protein change: p.Arg1534Pro; replaces arginine 1534 with proline.
Molecular consequence: missense variant.
Genome position (GRCh38, 1-based): chr1:10,639,621, C>G on the plus strand (G>C on the coding strand, the complement: CASZ1 is on the minus strand). VCF-style: chr1-10639621-C-G. GRCh37 (hg19) VCF-style: chr1-10699678-C-G.
Other names: short protein forms R1534P.
Identifiers: ClinVar variation 4976068 (VCV004976068.1).
Genomic context (GRCh38, chr1:10,639,621, plus strand): 5'-CTGGAGCTGAACTGGCAGAAGCCCGCGGCGCTGATCACGTCCTGTTTGCCGTGGTGCTTG[C>G]GATGCGCCGTGACCTTGGTGCTGTCGGTGCAGCGGAAGCGGCAGCGCAGGCAGTGGAAGT-3'
Protein context (NP_001073312.1, residues 1524-1544): CTDSTKVTAH[Arg1534Pro]KHHGKQDVIS